The following is an entry in ClinVar:

ClinVar aggregate classification (germline): Uncertain significance (1 of 4 stars; one submission).

Submission:

CeGaT Center for Human Genetics Tuebingen
Classification: Uncertain significance. Last evaluated: 2025-08-01. Review status: criteria provided, single submitter. Criteria: CeGaT Center For Human Genetics Tuebingen Variant Classification Criteria Version 2. Collection method: clinical testing. Allele origin: germline. Affected: yes. Observed: 1 variant allele.
Comment: MAP3K7: PM2, PP2

NM_145331.3(MAP3K7):c.761A>G (p.Asn254Ser)

Gene: MAP3K7 (mitogen-activated protein kinase kinase kinase 7; minus strand). Cytogenetic location: 6q15.
Variant type: single nucleotide variant.
Coding change: c.761A>G on transcript NM_145331.3 (MANE Select); coding-DNA position 761, A replaced by G.
Protein change: p.Asn254Ser; replaces asparagine 254 with serine.
Molecular consequence: missense variant.
Genome position (GRCh38, 1-based): chr6:90,552,155, T>C on the plus strand (A>G on the coding strand, the complement: MAP3K7 is on the minus strand). VCF-style: chr6-90552155-T-C. GRCh37 (hg19) VCF-style: chr6-91261874-T-C.
Other names: c.761A>G, p.Asn254Ser (NM_003188.4, NM_145332.3, NM_145333.3); short protein forms N254S.
Identifiers: ClinVar variation 4085668 (VCV004085668.8).